The following is an entry in ClinVar:

NM_025137.4(SPG11):c.6743C>G (p.Ser2248Cys)

Gene: SPG11 (SPG11 vesicle trafficking associated, spatacsin; minus strand). Cytogenetic location: 15q21.1.
Variant type: single nucleotide variant.
Coding change: c.6743C>G on transcript NM_025137.4 (MANE Select); coding-DNA position 6743, C replaced by G.
Protein change: p.Ser2248Cys; replaces serine 2248 with cysteine.
Molecular consequence: missense variant.
Genome position (GRCh38, 1-based): chr15:44,567,435, G>C on the plus strand (C>G on the coding strand, the complement: SPG11 is on the minus strand). VCF-style: chr15-44567435-G-C. GRCh37 (hg19) VCF-style: chr15-44859633-G-C.
Other names: c.6404C>G, p.Ser2135Cys (NM_001160227.2); short protein forms S2135C, S2248C.
Identifiers: ClinVar variation 1004633 (VCV001004633.8), dbSNP rs1567127087, ClinGen allele CA392214593.

ClinVar aggregate classification (germline): Uncertain significance (1 of 4 stars; one submission).

Conditions:
Hereditary spastic paraplegia 11. Also called: Spastic Paraplegia 11; SPASTIC PARAPLEGIA, AUTOSOMAL RECESSIVE, COMPLICATED, WITH THIN CORPUS CALLOSUM; SPASTIC PARAPLEGIA, AUTOSOMAL RECESSIVE, WITH MENTAL IMPAIRMENT AND THIN CORPUS CALLOSUM; Nakamura Osame syndrome; Autosomal recessive hereditary spastic paraplegia, mental impairment, and thin corpus callosum; Spastic paraplegia, mental retardation and thin corpus callosum. Identifiers: Orphanet 2822, MedGen C1858479, MONDO:0011445, OMIM 604360.

Allele frequency attached by ClinVar (database versions not stated): gnomAD exomes below 0.00001.

Submission:

Labcorp Genetics (formerly Invitae), Labcorp
Classification: Uncertain significance for Hereditary spastic paraplegia 11. Last evaluated: 2021-07-09. Review status: criteria provided, single submitter. Criteria: Invitae Variant Classification Sherloc (09022015). Collection method: clinical testing. Allele origin: germline.
Comment: In summary, the available evidence is currently insufficient to determine the role of this variant in disease. Therefore, it has been classified as a Variant of Uncertain Significance. Algorithms developed to predict the effect of missense changes on protein structure and function output the following: SIFT: "Tolerated"; PolyPhen-2: "Probably Damaging"; Align-GVGD: "Class C0". The cysteine amino acid residue is found in multiple mammalian species, suggesting that this missense change does not adversely affect protein function. These predictions have not been confirmed by published functional studies and their clinical significance is uncertain. This variant has not been reported in the literature in individuals with SPG11-related conditions. This variant is not present in population databases (ExAC no frequency). This sequence change replaces serine with cysteine at codon 2248 of the SPG11 protein (p.Ser2248Cys). The serine residue is moderately conserved and there is a moderate physicochemical difference between serine and cysteine.